The following is an entry in ClinVar:

ClinVar aggregate classification (germline): Conflicting classifications of pathogenicity. Review status: criteria provided, conflicting classifications (1 of 4 stars). 9 submissions from 9 submitters: Uncertain significance (6); Benign (1); Likely benign (1). 1 of the submissions does not count toward it. Last evaluated 2026-01-12.

Conditions:
SPTB-related disorder. Also called: SPTB-Related Disorders; SPTB-related condition.

Allele frequency attached by ClinVar (database versions not stated): gnomAD exomes 0.00015 and 0.00042; ExAC 0.00056; gnomAD 0.00131 and 0.00138; TOPMed 0.00162; ESP Exome Variant Server 0.00192; 1000 Genomes Project 0.00220; 1000 Genomes Project 30x 0.00234.
gnomAD v4.1: 412 of 1,614,140 alleles (0.026%); highest among the groups gnomAD compares: African/African-American, 0.46%; 1 homozygote.

Submissions (9):

Labcorp Genetics (formerly Invitae), Labcorp
Classification: Benign. Last evaluated: 2026-01-12. Review status: criteria provided, single submitter. Criteria: Invitae Variant Classification Sherloc (09022015). Collection method: clinical testing. Allele origin: germline.

ARUP Laboratories, Molecular Genetics and Genomics, ARUP Laboratories
Classification: Likely benign. Last evaluated: 2025-05-09. Review status: criteria provided, single submitter. Criteria: ARUP Molecular Germline Variant Investigation Process 2024. Collection method: clinical testing. Allele origin: germline.

Mayo Clinic Laboratories, Mayo Clinic
Classification: Uncertain significance. Last evaluated: 2025-04-30. Review status: criteria provided, single submitter. Criteria: ACMG Guidelines, 2015. Collection method: clinical testing. Allele origin: germline. Observed: 6 variant alleles.

Blueprint Genetics
Classification: Uncertain significance. Last evaluated: 2024-10-18. Review status: criteria provided, single submitter. Criteria: ACMG Guidelines, 2015. Collection method: clinical testing. Allele origin: germline.

GeneDx
Classification: Uncertain significance. Last evaluated: 2023-04-07. Review status: criteria provided, single submitter. Criteria: GeneDx Variant Classification Process June 2021. Collection method: clinical testing. Allele origin: germline. Affected: yes.
Comment: Known as spectrin Birmingham, reported in association with autosomal recessive hereditary spherocytosis, however segregation data is absent (Hassoun et al., 1997); In silico analysis supports that this missense variant has a deleterious effect on protein structure/function; This variant is associated with the following publications: (PMID: 30690801, 32987391, 20101027, 9207476)

CeGaT Center for Human Genetics Tuebingen
Classification: Uncertain significance. Last evaluated: 2022-04-01. Review status: criteria provided, single submitter. Criteria: CeGaT Center For Human Genetics Tuebingen Variant Classification Criteria Version 2. Collection method: clinical testing. Allele origin: germline. Affected: yes. Observed: 1 variant allele.
Comment: SPTB: PS4:Supporting, BP4

Eurofins Ntd Llc (ga)
Classification: Uncertain significance. Last evaluated: 2018-05-16. Review status: criteria provided, single submitter. Criteria: EGL ClinVar v180209 classification definitions. Collection method: clinical testing. Allele origin: germline. Observed: 1 variant allele, 1 heterozygote.

Breakthrough Genomics
Classification: Uncertain significance. Review status: criteria provided, single submitter. Criteria: ACMG Guidelines, 2015. Collection method: not provided. Allele origin: germline. Inheritance: Autosomal dominant inheritance. Affected: yes.

PreventionGenetics, part of Exact Sciences
Classification: Likely benign for SPTB-related condition. Last evaluated: 2022-08-24. Review status: no assertion criteria provided. Collection method: clinical testing. Allele origin: germline. Not counted in ClinVar's aggregate classification.
Comment: This variant is classified as likely benign based on ACMG/AMP sequence variant interpretation guidelines (Richards et al. 2015 PMID: 25741868, with internal and published modifications).

Literature cited by the submitters: PubMed 32987391 (cited by Mayo Clinic Laboratories, Mayo Clinic); PubMed 9207476 (cited by Mayo Clinic Laboratories, Mayo Clinic).

NM_001355436.2(SPTB):c.5050C>T (p.Arg1684Cys)

Gene: SPTB (spectrin beta, erythrocytic; minus strand). Cytogenetic location: 14q23.3.
Variant type: single nucleotide variant.
Coding change: c.5050C>T on transcript NM_001355436.2 (MANE Select); coding-DNA position 5050, C replaced by T.
Protein change: p.Arg1684Cys; replaces arginine 1684 with cysteine.
Molecular consequence: missense variant.
Genome position (GRCh38, 1-based): chr14:64,773,348, G>A on the plus strand (C>T on the coding strand, the complement: SPTB is on the minus strand). VCF-style: chr14-64773348-G-A. GRCh37 (hg19) VCF-style: chr14-65240066-G-A.
Other names: NM_000347.5:c.5050C>T; p.Arg1684Cys; c.5050C>T, p.Arg1684Cys (NM_001024858.4, NM_001355437.2); c.5050C>T (NM_001024858.2); short protein forms R1684C.
Identifiers: ClinVar variation 597286 (VCV000597286.51), dbSNP rs141226650, ClinGen allele CA7230087.